The following is an entry in ClinVar:

NM_003482.4(KMT2D):c.6184-3C>T

Gene: KMT2D (lysine methyltransferase 2D; minus strand). Cytogenetic location: 12q13.12.
Variant type: single nucleotide variant.
Coding change: c.6184-3C>T on transcript NM_003482.4 (MANE Select); 3 bases into the intron before coding-DNA position 6184, C replaced by T.
Molecular consequence: intron variant.
Genome position (GRCh38, 1-based): chr12:49,041,708, G>A on the plus strand (C>T on the coding strand, the complement: KMT2D is on the minus strand). VCF-style: chr12-49041708-G-A. GRCh37 (hg19) VCF-style: chr12-49435491-G-A.
Identifiers: ClinVar variation 2739453 (VCV002739453.3), dbSNP rs2498405186, ClinGen allele CA2697559244.

ClinVar aggregate classification (germline): Uncertain significance (1 of 4 stars; one submission).

Conditions:
Kabuki syndrome. Also called: Kabuki make-up syndrome; NIIKAWA-KUROKI SYNDROME. Identifiers: Orphanet 2322, MedGen C0796004, MONDO:0016512.

Submission:

Labcorp Genetics (formerly Invitae), Labcorp
Classification: Uncertain significance for Kabuki syndrome. Last evaluated: 2025-07-20. Review status: criteria provided, single submitter. Criteria: Invitae Variant Classification Sherloc (09022015). Collection method: clinical testing. Allele origin: germline.
Comment: This sequence change falls in intron 29 of the KMT2D gene. It does not directly change the encoded amino acid sequence of the KMT2D protein. It affects a nucleotide within the consensus splice site. This variant is not present in population databases (gnomAD no frequency). This variant has not been reported in the literature in individuals affected with KMT2D-related conditions. ClinVar contains an entry for this variant (Variation ID: 2739453). Variants that disrupt the consensus splice site are a relatively common cause of aberrant splicing (PMID: 17576681, 9536098). Algorithms developed to predict the effect of sequence changes on RNA splicing suggest that this variant is not likely to affect RNA splicing. In summary, the available evidence is currently insufficient to determine the role of this variant in disease. Therefore, it has been classified as a Variant of Uncertain Significance.

Literature cited by the submitters: PubMed 17576681; PubMed 9536098.